The following is an entry in ClinVar:

ClinVar aggregate classification (germline): Uncertain significance. Review status: criteria provided, multiple submitters, no conflicts (2 of 4 stars). 2 submissions from 2 submitters: Uncertain significance (2). Last evaluated 2025-04-22.

Conditions:
Familial cold autoinflammatory syndrome 3 (FCAS3). Also called: FAMILIAL ATYPICAL COLD URTICARIA; ANTIBODY DEFICIENCY AND IMMUNE DYSREGULATION, PLCG2-ASSOCIATED. Identifiers: Orphanet 300359, MedGen C3280914, MONDO:0013766, OMIM 614468.

Allele frequency attached by ClinVar (database versions not stated): gnomAD 0.00001; gnomAD exomes below 0.00001.
gnomAD v4.1: 5 of 1,612,692 alleles (0.00031%); highest among the groups gnomAD compares: Non-Finnish European, 0.00034%; no homozygotes.

Submissions (2):

Labcorp Genetics (formerly Invitae), Labcorp
Classification: Uncertain significance for Familial cold autoinflammatory syndrome 3. Last evaluated: 2025-04-22. Review status: criteria provided, single submitter. Criteria: Invitae Variant Classification Sherloc (09022015). Collection method: clinical testing. Allele origin: germline.
Comment: This sequence change replaces alanine, which is neutral and non-polar, with valine, which is neutral and non-polar, at codon 668 of the PLCG2 protein (p.Ala668Val). This variant is not present in population databases (gnomAD no frequency). This variant has not been reported in the literature in individuals affected with PLCG2-related conditions. ClinVar contains an entry for this variant (Variation ID: 2575965). An algorithm developed to predict the effect of missense changes on protein structure and function (PolyPhen-2) suggests that this variant is likely to be disruptive. In summary, the available evidence is currently insufficient to determine the role of this variant in disease. Therefore, it has been classified as a Variant of Uncertain Significance.

Institute for Clinical Genetics, University Hospital TU Dresden, University Hospital TU Dresden
Classification: Uncertain significance. Last evaluated: 2022-04-25. Review status: criteria provided, single submitter. Criteria: ACMG Guidelines, 2015. Collection method: clinical testing. Allele origin: germline.
Comment: PP3, PM2_SUP

NM_002661.5(PLCG2):c.2003C>T (p.Ala668Val)

Gene: PLCG2 (phospholipase C gamma 2; plus strand). Cytogenetic location: 16q23.3.
Variant type: single nucleotide variant.
Coding change: c.2003C>T on transcript NM_002661.5 (MANE Select); coding-DNA position 2003, C replaced by T.
Protein change: p.Ala668Val; replaces alanine 668 with valine.
Molecular consequence: missense variant.
Genome position (GRCh38, 1-based): chr16:81,912,665, C>T. VCF-style: chr16-81912665-C-T. GRCh37 (hg19) VCF-style: chr16-81946270-C-T.
Other names: short protein forms A668V.
Identifiers: ClinVar variation 2575965 (VCV002575965.3), dbSNP rs1190118926, ClinGen allele CA396901411.